The following is an entry in ClinVar:

NM_025137.4(SPG11):c.3967A>C (p.Thr1323Pro)

Gene: SPG11 (SPG11 vesicle trafficking associated, spatacsin; minus strand). Cytogenetic location: 15q21.1.
Variant type: single nucleotide variant.
Coding change: c.3967A>C on transcript NM_025137.4 (MANE Select); coding-DNA position 3967, A replaced by C.
Protein change: p.Thr1323Pro; replaces threonine 1323 with proline.
Molecular consequence: missense variant.
Genome position (GRCh38, 1-based): chr15:44,598,299, T>G on the plus strand (A>C on the coding strand, the complement: SPG11 is on the minus strand). VCF-style: chr15-44598299-T-G. GRCh37 (hg19) VCF-style: chr15-44890497-T-G.
Other names: c.3967A>C, p.Thr1323Pro (NM_001160227.2, NM_001411132.1); short protein forms T1323P.
Identifiers: ClinVar variation 2054655 (VCV002054655.2), dbSNP rs759072562, ClinGen allele CA7534807.

ClinVar aggregate classification (germline): Uncertain significance (1 of 4 stars; one submission).

Conditions:
Hereditary spastic paraplegia 11. Also called: Spastic Paraplegia 11; Spastic paraplegia, mental retardation and thin corpus callosum; Nakamura Osame syndrome; Autosomal recessive hereditary spastic paraplegia, mental impairment, and thin corpus callosum; SPASTIC PARAPLEGIA, AUTOSOMAL RECESSIVE, COMPLICATED, WITH THIN CORPUS CALLOSUM; SPASTIC PARAPLEGIA, AUTOSOMAL RECESSIVE, WITH MENTAL IMPAIRMENT AND THIN CORPUS CALLOSUM. Identifiers: Orphanet 2822, MedGen C1858479, MONDO:0011445, OMIM 604360.

Allele frequency attached by ClinVar (database versions not stated): gnomAD exomes below 0.00001; ExAC 0.00001.
gnomAD v4.1: 5 of 1,614,048 alleles (0.00031%); highest among the groups gnomAD compares: Non-Finnish European, 0.00042%; no homozygotes.

Submission:

Labcorp Genetics (formerly Invitae), Labcorp
Classification: Uncertain significance for Hereditary spastic paraplegia 11. Last evaluated: 2022-01-05. Review status: criteria provided, single submitter. Criteria: Invitae Variant Classification Sherloc (09022015). Collection method: clinical testing. Allele origin: germline.
Comment: In summary, the available evidence is currently insufficient to determine the role of this variant in disease. Therefore, it has been classified as a Variant of Uncertain Significance. Algorithms developed to predict the effect of missense changes on protein structure and function are either unavailable or do not agree on the potential impact of this missense change (SIFT: "Deleterious"; PolyPhen-2: "Benign"; Align-GVGD: "Class C0"). This variant has not been reported in the literature in individuals affected with SPG11-related conditions. This variant is not present in population databases (gnomAD no frequency). This sequence change replaces threonine, which is neutral and polar, with proline, which is neutral and non-polar, at codon 1323 of the SPG11 protein (p.Thr1323Pro).